The following is an entry in ClinVar:

ClinVar aggregate classification (germline): Uncertain significance (1 of 4 stars; one submission).

Conditions:
Autosomal recessive nonsyndromic hearing loss 3. Also called: NEUROSENSORY NONSYNDROMIC RECESSIVE DEAFNESS 3. Identifiers: Orphanet 90636, MedGen C1838263, MONDO:0010860, OMIM 600316.

Allele frequency attached by ClinVar (database versions not stated): gnomAD exomes below 0.00001.
gnomAD v4.1: 1 of 1,612,326 alleles (0.000062%); highest among the groups gnomAD compares: South Asian, 0.0011%; no homozygotes.

Submission:

ARUP Laboratories, Molecular Genetics and Genomics, ARUP Laboratories
Classification: Uncertain significance for Autosomal recessive nonsyndromic hearing loss 3. Last evaluated: 2019-03-18. Review status: criteria provided, single submitter. Criteria: ARUP Molecular Germline Variant Investigation Process. Collection method: clinical testing. Allele origin: germline.
Comment: The MYO15A c.458A>G; p.Gln153Arg variant, to our knowledge, has not been reported in the medical literature or gene specific databases. This variant is also absent from general population databases (1000 Genomes Project, Exome Variant Server, and Genome Aggregation Database), indicating it is not a common polymorphism. The glutamine at codon 153 is moderately conserved (Alamut v.2.11) although computational analyses (SIFT, PolyPhen-2) predict that this variant is tolerated. However, based on the available information, the clinical significance of this variant is uncertain.

NM_016239.4(MYO15A):c.458A>G (p.Gln153Arg)

Gene: MYO15A (myosin XVA; plus strand). Cytogenetic location: 17p11.2.
Variant type: single nucleotide variant.
Coding change: c.458A>G on transcript NM_016239.4 (MANE Select); coding-DNA position 458, A replaced by G.
Protein change: p.Gln153Arg; replaces glutamine 153 with arginine.
Molecular consequence: missense variant.
Genome position (GRCh38, 1-based): chr17:18,119,258, A>G. VCF-style: chr17-18119258-A-G. GRCh37 (hg19) VCF-style: chr17-18022572-A-G.
Other names: short protein forms Q153R.
Identifiers: ClinVar variation 811331 (VCV000811331.8), dbSNP rs1597748342, ClinGen allele CA398573168.